The following is an entry in ClinVar:

NM_016222.4(DDX41):c.301C>T (p.Arg101Cys)

Gene: DDX41 (DEAD-box helicase 41; minus strand). Cytogenetic location: 5q35.3.
Variant type: single nucleotide variant.
Coding change: c.301C>T on transcript NM_016222.4 (MANE Select); coding-DNA position 301, C replaced by T.
Protein change: p.Arg101Cys; replaces arginine 101 with cysteine.
Molecular consequence: missense variant. On other transcripts: 5 prime UTR variant (2).
Genome position (GRCh38, 1-based): chr5:177,516,191, G>A on the plus strand (C>T on the coding strand, the complement: DDX41 is on the minus strand). VCF-style: chr5-177516191-G-A. GRCh37 (hg19) VCF-style: chr5-176943192-G-A.
Other names: c.-78C>T (NM_001321732.2, NM_001321830.2); c.301C>T (NM_016222.2); short protein forms R101C.
Identifiers: ClinVar variation 1337830 (VCV001337830.7), dbSNP rs1761223083, ClinGen allele CA362376938.

ClinVar aggregate classification (germline): Uncertain significance. Review status: criteria provided, multiple submitters, no conflicts (2 of 4 stars). 3 submissions from 3 submitters: Uncertain significance (3). Last evaluated 2026-03-21.

Conditions:
Inborn genetic diseases. Identifiers: MedGen C0950123, MeSH D030342.

Allele frequency attached by ClinVar (database versions not stated): gnomAD 0.00001.
gnomAD v4.1: 1 of 1,613,942 alleles (0.000062%); highest among the groups gnomAD compares: South Asian, 0.0011%; no homozygotes.

Submissions (3):

Ambry Genetics
Classification: Uncertain significance for Inborn genetic diseases. Last evaluated: 2026-03-21. Review status: criteria provided, single submitter. Criteria: Ambry Variant Classification Scheme 2023. Collection method: clinical testing. Allele origin: germline.
Comment: The p.R101C variant (also known as c.301C>T), located in coding exon 4 of the DDX41 gene, results from a C to T substitution at nucleotide position 301. The arginine at codon 101 is replaced by cysteine, an amino acid with highly dissimilar properties. This amino acid position is conserved. In addition, the in silico prediction for this alteration is inconclusive. Based on the available evidence, the clinical significance of this variant remains unclear.

Labcorp Genetics (formerly Invitae), Labcorp
Classification: Uncertain significance. Last evaluated: 2024-06-19. Review status: criteria provided, single submitter. Criteria: Invitae Variant Classification Sherloc (09022015). Collection method: clinical testing. Allele origin: germline.
Comment: This sequence change replaces arginine, which is basic and polar, with cysteine, which is neutral and slightly polar, at codon 101 of the DDX41 protein (p.Arg101Cys). This variant is not present in population databases (gnomAD no frequency). This variant has not been reported in the literature in individuals affected with DDX41-related conditions. ClinVar contains an entry for this variant (Variation ID: 1337830). An algorithm developed to predict the effect of missense changes on protein structure and function (PolyPhen-2) suggests that this variant is likely to be disruptive. In summary, the available evidence is currently insufficient to determine the role of this variant in disease. Therefore, it has been classified as a Variant of Uncertain Significance.

Genetic Services Laboratory, University of Chicago
Classification: Uncertain significance. Last evaluated: 2021-02-23. Review status: criteria provided, single submitter. Criteria: ACMG Guidelines, 2015. Collection method: clinical testing. Allele origin: germline. Affected: no.
Comment: DNA sequence analysis of the DDX41 gene demonstrated a sequence change, c.301C>T, in exon 4 that results in an amino acid change, p.Arg101Cys. This sequence is absent from known population databases (gnomAD). The p.Arg101Cys change affects a moderately conserved amino acid residue located in a domain of the DDX41 protein that is not known to be functional. In-silico pathogenicity prediction tools (SIFT, PolyPhen2, Align GVGD, REVEL) provide contradictory results for the p.Arg101Cys substitution.This change does not appear to have been previously described in patients with DDX41-related disorders and has also not been described as a known benign sequence change in the DDX41 gene. Due to the lack of sufficient evidences, the clinical significance of the p.Arg101Cys change remains unknown at this time.